The following is an entry in ClinVar:

ClinVar aggregate classification (germline): Uncertain significance (1 of 4 stars; one submission).

Conditions:
Nephronophthisis 15 (NPHP15). Identifiers: Orphanet 3156, MedGen C3541853, MONDO:0013917, OMIM 614845.

Allele frequency attached by ClinVar (database versions not stated): gnomAD exomes below 0.00001 and 0.00001.
gnomAD v4.1: 10 of 1,614,064 alleles (0.00062%); highest among the groups gnomAD compares: Non-Finnish European, 0.00085%; no homozygotes.

Submission:

Labcorp Genetics (formerly Invitae), Labcorp
Classification: Uncertain significance for Nephronophthisis 15. Last evaluated: 2019-10-24. Review status: criteria provided, single submitter. Criteria: Invitae Variant Classification Sherloc (09022015). Collection method: clinical testing. Allele origin: germline.
Comment: This sequence change replaces glutamine with lysine at codon 697 of the CEP164 protein (p.Gln697Lys). The glutamine residue is highly conserved and there is a small physicochemical difference between glutamine and lysine. This variant is not present in population databases (ExAC no frequency). This variant has not been reported in the literature in individuals with CEP164-related conditions. Algorithms developed to predict the effect of missense changes on protein structure and function output the following: SIFT: "Deleterious"; PolyPhen-2: "Benign"; Align-GVGD: "Class C0". The lysine amino acid residue is found in multiple mammalian species, suggesting that this missense change does not adversely affect protein function. These predictions have not been confirmed by published functional studies and their clinical significance is uncertain. In summary, the available evidence is currently insufficient to determine the role of this variant in disease. Therefore, it has been classified as a Variant of Uncertain Significance.

NM_014956.5(CEP164):c.2089C>A (p.Gln697Lys)

Gene: CEP164 (centrosomal protein 164; plus strand). Cytogenetic location: 11q23.3.
Variant type: single nucleotide variant.
Coding change: c.2089C>A on transcript NM_014956.5 (MANE Select); coding-DNA position 2089, C replaced by A.
Protein change: p.Gln697Lys; replaces glutamine 697 with lysine.
Molecular consequence: missense variant.
Genome position (GRCh38, 1-based): chr11:117,391,021, C>A. VCF-style: chr11-117391021-C-A. GRCh37 (hg19) VCF-style: chr11-117261737-C-A.
Other names: c.2098C>A, p.Gln700Lys (NM_001271933.2); short protein forms Q700K, Q697K.
Identifiers: ClinVar variation 968305 (VCV000968305.9), dbSNP rs1332049981, ClinGen allele CA382722443.